The following is an entry in ClinVar:

NM_001244008.2(KIF1A):c.463C>T (p.Arg155Cys)

Gene: KIF1A (kinesin family member 1A; minus strand). Cytogenetic location: 2q37.3.
Variant type: single nucleotide variant.
Coding change: c.463C>T on transcript NM_001244008.2 (MANE Select); coding-DNA position 463, C replaced by T.
Protein change: p.Arg155Cys; replaces arginine 155 with cysteine.
Molecular consequence: missense variant.
Genome position (GRCh38, 1-based): chr2:240,786,480, G>A on the plus strand (C>T on the coding strand, the complement: KIF1A is on the minus strand). VCF-style: chr2-240786480-G-A. GRCh37 (hg19) VCF-style: chr2-241725897-G-A.
Other names: c.463C>T, p.Arg155Cys (NM_001320705.2, NM_001330289.2, NM_001330290.2 and 21 more transcripts); short protein forms R155C.
Identifiers: ClinVar variation 2924234 (VCV002924234.4), dbSNP rs1434341247, ClinGen allele CA351306864.

ClinVar aggregate classification (germline): Uncertain significance. Review status: criteria provided, multiple submitters, no conflicts (2 of 4 stars). 2 submissions from 2 submitters: Uncertain significance (2). Last evaluated 2025-06-19.

Conditions:
Intellectual disability, autosomal dominant 9 (NESCAVS). Also called: NESCAV SYNDROME; KIF1A-Related Neurodevelopmental Disorder. Identifiers: Orphanet 662367, MedGen C5393830, MONDO:0013656, OMIM 614255.
Neuropathy, hereditary sensory, type 2C. Also called: Hereditary sensory and autonomic neuropathy type IIC; KIF1A-Related HSAN2 (HSAN2C). Identifiers: Orphanet 970, MedGen C3280168, MONDO:0013634, OMIM 614213.
Hereditary spastic paraplegia 30. Identifiers: Orphanet 101010, MedGen C5235139, MONDO:0012476.

Allele frequency attached by ClinVar (database versions not stated): TOPMed below 0.00001.
gnomAD v4.1: 1 of 1,613,504 alleles (0.000062%); no homozygotes.

Submissions (2):

Labcorp Genetics (formerly Invitae), Labcorp
Classification: Uncertain significance for Hereditary spastic paraplegia 30; Neuropathy, hereditary sensory, type 2C; Intellectual disability, autosomal dominant 9. Last evaluated: 2025-06-19. Review status: criteria provided, single submitter. Criteria: Invitae Variant Classification Sherloc (09022015). Collection method: clinical testing. Allele origin: germline.
Comment: This sequence change replaces arginine, which is basic and polar, with cysteine, which is neutral and slightly polar, at codon 155 of the KIF1A protein (p.Arg155Cys). This variant is not present in population databases (gnomAD no frequency). This missense change has been observed in individual(s) with KIF1A-related conditions (PMID: 33880452, 34487232). ClinVar contains an entry for this variant (Variation ID: 2924234). Invitae Evidence Modeling of protein sequence and biophysical properties (such as structural, functional, and spatial information, amino acid conservation, physicochemical variation, residue mobility, and thermodynamic stability) indicates that this missense variant is expected to disrupt KIF1A protein function with a positive predictive value of 95%. In summary, the available evidence is currently insufficient to determine the role of this variant in disease. Therefore, it has been classified as a Variant of Uncertain Significance.

Genomic Medicine Center of Excellence, King Faisal Specialist Hospital and Research Centre
Classification: Uncertain significance for Intellectual disability, autosomal dominant 9. Last evaluated: 2024-04-04. Review status: criteria provided, single submitter. Criteria: ACMG Guidelines, 2015. Collection method: clinical testing. Allele origin: germline.

Literature cited by the submitters: PubMed 33880452 (cited by Labcorp Genetics (formerly Invitae), Labcorp); PubMed 34487232 (cited by Labcorp Genetics (formerly Invitae), Labcorp).